The following is an entry in ClinVar:

ClinVar aggregate classification (germline): Conflicting classifications of pathogenicity. Review status: criteria provided, conflicting classifications (1 of 4 stars). 2 submissions from 2 submitters: Uncertain significance (1); Likely benign (1). Last evaluated 2026-07-01.

Conditions:
Frontometaphyseal dysplasia (FMD1). Identifiers: Orphanet 1826, MedGen C0265293, MONDO:0015942.
Melnick-Needles syndrome (MNS). Also called: Melnick-Needles Syndrome (FLNA-MNS); MELNICK-NEEDLES OSTEODYSPLASTY; OSTEODYSPLASTY OF MELNICK AND NEEDLES. Identifiers: Orphanet 2484, MedGen C0025237, MONDO:0010650, OMIM 309350.
Heterotopia, periventricular, X-linked dominant (PVNH1). Also called: PERIVENTRICULAR NODULAR HETEROTOPIA 4; HETEROTOPIA, PERIVENTRICULAR, 1; PERIVENTRICULAR NODULAR HETEROTOPIA 1; X-linked periventricular heterotopia. Identifiers: Orphanet 2149, Orphanet 82004, MedGen C1848213, MONDO:0010233, OMIM 300049.
Oto-palato-digital syndrome, type II (OPD2). Also called: Otopalatodigital Syndrome, Type II; Otopalatodigital Syndrome Type 2 (FLNA-OPD2); FACIOPALATOOSSEOUS SYNDROME; OPD II SYNDROME. Identifiers: Orphanet 669, Orphanet 90652, MedGen C1844696, MONDO:0010571, OMIM 304120.
Familial thoracic aortic aneurysm and aortic dissection (TAAD). Also called: Thoracic aortic aneurysms and dissections. Identifiers: Orphanet 91387, MedGen C4707243, MONDO:0019625.

Allele frequency attached by ClinVar (database versions not stated): gnomAD exomes 0.00001; TOPMed below 0.00001.
gnomAD v4.1: 3 of 1,211,516 alleles (0.00025%); highest among the groups gnomAD compares: East Asian, 0.003%; no homozygotes.

Submissions (2):

Ambry Genetics
Classification: Uncertain significance for Familial thoracic aortic aneurysm and aortic dissection. Last evaluated: 2026-07-01. Review status: criteria provided, single submitter. Criteria: Ambry Variant Classification Scheme 2023. Collection method: clinical testing. Allele origin: germline.
Comment: The c.1770C>T variant (also known as p.V590V), located in coding exon 11 of the FLNA gene, results from a C to T substitution at nucleotide position 1770. This nucleotide substitution does not change the amino acid at codon 590. This nucleotide position is poorly conserved in available vertebrate species. In silico splice site analysis for this alteration is inconclusive. Based on data from gnomAD, the T allele has an overall frequency of 0.0006% (1/181605) total alleles studied, with 0 hemizygote(s) observed. The highest observed frequency was 0.0074% (1/13555) of East Asian alleles. Based on the available evidence, the clinical significance of this variant remains unclear.

Labcorp Genetics (formerly Invitae), Labcorp
Classification: Likely benign for Oto-palato-digital syndrome, type II; Heterotopia, periventricular, X-linked dominant; Frontometaphyseal dysplasia; Melnick-Needles syndrome. Last evaluated: 2020-08-15. Review status: criteria provided, single submitter. Criteria: Invitae Variant Classification Sherloc (09022015). Collection method: clinical testing. Allele origin: germline.

NM_001110556.2(FLNA):c.1770C>T (p.Val590=)

Gene: FLNA (filamin A; minus strand). Cytogenetic location: Xq28.
Variant type: single nucleotide variant.
Coding change: c.1770C>T on transcript NM_001110556.2 (MANE Select); coding-DNA position 1770, C replaced by T.
Protein change: p.Val590=; no amino-acid change (valine 590 retained).
Molecular consequence: synonymous variant.
Genome position (GRCh38, 1-based): chrX:154,364,879, G>A on the plus strand (C>T on the coding strand, the complement: FLNA is on the minus strand). VCF-style: chrX-154364879-G-A. GRCh37 (hg19) VCF-style: chrX-153593247-G-A.
Other names: c.1770C>T (NM_001456.3); c.1770C>T, p.Val590= (NM_001456.4).
Identifiers: ClinVar variation 1149774 (VCV001149774.10), dbSNP rs782619869, ClinGen allele CA519708791.